The following is an entry in ClinVar:

ClinVar aggregate classification (germline): Conflicting classifications of pathogenicity. Review status: criteria provided, conflicting classifications (1 of 4 stars). 3 submissions from 3 submitters: Uncertain significance (2); Likely benign (1). Last evaluated 2025-03-13.

Conditions:
Inborn genetic diseases. Identifiers: MedGen C0950123, MeSH D030342.

Allele frequency attached by ClinVar (database versions not stated): TOPMed 0.00005; ExAC 0.00007; gnomAD 0.00008; gnomAD exomes 0.00008 and 0.00013.
gnomAD v4.1: 197 of 1,614,058 alleles (0.012%); highest among the groups gnomAD compares: Middle Eastern, 0.016%; no homozygotes.

Submissions (3):

Labcorp Genetics (formerly Invitae), Labcorp
Classification: Uncertain significance. Last evaluated: 2025-03-13. Review status: criteria provided, single submitter. Criteria: Invitae Variant Classification Sherloc (09022015). Collection method: clinical testing. Allele origin: germline.
Comment: This sequence change replaces serine, which is neutral and polar, with leucine, which is neutral and non-polar, at codon 197 of the TEAD1 protein (p.Ser197Leu). This variant is present in population databases (rs534634208, gnomAD 0.01%). This variant has not been reported in the literature in individuals affected with TEAD1-related conditions. ClinVar contains an entry for this variant (Variation ID: 1021857). Invitae Evidence Modeling of protein sequence and biophysical properties (such as structural, functional, and spatial information, amino acid conservation, physicochemical variation, residue mobility, and thermodynamic stability) indicates that this missense variant is not expected to disrupt TEAD1 protein function with a negative predictive value of 80%. In summary, the available evidence is currently insufficient to determine the role of this variant in disease. Therefore, it has been classified as a Variant of Uncertain Significance.

Blueprint Genetics
Classification: Likely benign. Last evaluated: 2024-10-03. Review status: criteria provided, single submitter. Criteria: ACMG Guidelines, 2015. Collection method: clinical testing. Allele origin: germline.

Ambry Genetics
Classification: Uncertain significance for Inborn genetic diseases. Last evaluated: 2021-08-30. Review status: criteria provided, single submitter. Criteria: Ambry Variant Classification Scheme 2023. Collection method: clinical testing. Allele origin: germline.

NM_021961.6(TEAD1):c.590C>T (p.Ser197Leu)

Gene: TEAD1 (TEA domain transcription factor 1; plus strand). Cytogenetic location: 11p15.3.
Variant type: single nucleotide variant.
Coding change: c.590C>T on transcript NM_021961.6 (MANE Select); coding-DNA position 590, C replaced by T.
Protein change: p.Ser197Leu; replaces serine 197 with leucine.
Molecular consequence: missense variant.
Genome position (GRCh38, 1-based): chr11:12,883,016, C>T. VCF-style: chr11-12883016-C-T. GRCh37 (hg19) VCF-style: chr11-12904563-C-T.
Other names: c.590C>T (NM_021961.5); short protein forms S197L.
Identifiers: ClinVar variation 1021857 (VCV001021857.8), dbSNP rs534634208, ClinGen allele CA5891684.